The following is an entry in ClinVar:

ClinVar aggregate classification (germline): Benign/Likely benign. Review status: criteria provided, multiple submitters, no conflicts (2 of 4 stars). 4 submissions from 4 submitters: Benign (3); Likely benign (1). Last evaluated 2026-01-14.

Allele frequency attached by ClinVar (database versions not stated): gnomAD exomes 0.00020 and 0.00052; ExAC 0.00061; 1000 Genomes Project 30x 0.00104; 1000 Genomes Project 0.00106; gnomAD 0.00190 and 0.00206; TOPMed 0.00223; ESP Exome Variant Server 0.00265.
gnomAD v4.1: 422 of 1,183,601 alleles (0.036%); highest among the groups gnomAD compares: African/African-American, 0.69%; 1 homozygote.

Submissions (4):

Labcorp Genetics (formerly Invitae), Labcorp
Classification: Benign. Last evaluated: 2026-01-14. Review status: criteria provided, single submitter. Criteria: Invitae Variant Classification Sherloc (09022015). Collection method: clinical testing. Allele origin: germline.

Mayo Clinic Laboratories, Mayo Clinic
Classification: Benign. Last evaluated: 2025-07-29. Review status: criteria provided, single submitter. Criteria: ACMG Guidelines, 2015. Collection method: clinical testing. Allele origin: germline. Observed: 1 variant allele.
Comment: BS1, BS2, BP4_strong

Blueprint Genetics
Classification: Likely benign. Last evaluated: 2024-10-22. Review status: criteria provided, single submitter. Criteria: ACMG Guidelines, 2015. Collection method: clinical testing. Allele origin: germline.

Breakthrough Genomics
Classification: Benign. Review status: criteria provided, single submitter. Criteria: ACMG Guidelines, 2015. Collection method: not provided. Allele origin: germline. Inheritance: X-linked inheritance. Affected: yes.

NM_001330360.2(POLA1):c.557T>C (p.Ile186Thr)

Gene: POLA1 (DNA polymerase alpha 1, catalytic subunit; plus strand). Cytogenetic location: Xp22.11.
Variant type: single nucleotide variant.
Coding change: c.557T>C on transcript NM_001330360.2 (MANE Select); coding-DNA position 557, T replaced by C.
Protein change: p.Ile186Thr; replaces isoleucine 186 with threonine.
Molecular consequence: missense variant. On other transcripts: non-coding transcript variant (2).
Genome position (GRCh38, 1-based): chrX:24,716,393, T>C. VCF-style: chrX-24716393-T-C. GRCh37 (hg19) VCF-style: chrX-24734510-T-C.
Other names: p.Ile180Thr; c.557T>C, p.Ile186Thr (NM_001378303.1); c.539T>C, p.Ile180Thr (NM_016937.4); short protein forms I180T, I186T.
Identifiers: ClinVar variation 1548491 (VCV001548491.11), dbSNP rs61756399, ClinGen allele CA10372810.